The following is an entry in ClinVar:

NM_001040616.3(LINS1):c.1219_1222+1del

Gene: LINS1 (lines homolog 1; minus strand). Cytogenetic location: 15q26.3.
Variant type: Deletion.
Coding change: c.1219_1222+1del on transcript NM_001040616.3 (MANE Select); coding-DNA position 1219 through the canonical splice donor site of the intron after coding-DNA position 1222, 5 bases deleted (AAAGG; older notation c.1219_1222+1delAAAGG).
Molecular consequence: splice donor variant.
Genome position (GRCh38, 1-based): chr15:100,573,650-100,573,654, CCTTT deleted on the plus strand (AAAGG on the coding strand, the reverse complement: LINS1 is on the minus strand); deleting any 5 consecutive bases within chr15:100,573,650-100,573,655 gives the same sequence; the c. name uses the placement nearest the transcript's 3' end. VCF-style (leftmost placement, unchanged base first): chr15-100573649-ACCTTT-A. GRCh37 (hg19) VCF-style: chr15-101113854-ACCTTT-A.
Other names: c.1174_1177+1del (NM_001352508.2); c.472_475+1del (NM_001352507.2).
Identifiers: ClinVar variation 120183 (VCV000120183.4), dbSNP rs587777226, ClinGen allele CA150776.
Genomic context (GRCh38, chr15:100,573,649, plus strand): 5'-ATGAATTACTGTACTTAAGTAAATAATTACACACTGCATACAAAAGGAGTTTGGAGAATT[ACCTTT>A]CACTTCACTTGCTGAAGAATAATTTTGAAACTTGATTTCTAAGGATTTCATTATAACTAA-3'

ClinVar aggregate classification (germline): Pathogenic. Review status: criteria provided, single submitter (1 of 4 stars). 2 submissions from 2 submitters: Pathogenic (1). 1 of the submissions does not count toward it. Last evaluated 2024-10-04.

Conditions:
Intellectual developmental disorder, autosomal recessive 27. Also called: Intellectual disability, autosomal recessive 27; Mental retardation, autosomal recessive 27. Identifiers: Orphanet 88616, MedGen C3280538, MONDO:0013702, OMIM 614340.
Intellectual disability. Also called: intellectual disabilities; Intellectual developmental disorder; Intellectual functioning disability. Identifiers: MedGen C3714756, MeSH D008607, MONDO:0001071, HP:0001249.

Submissions (2):

Dubai Health Genomic Medicine Center, Dubai Health
Classification: Pathogenic for Intellectual developmental disorder. Last evaluated: 2024-10-04. Review status: criteria provided, single submitter. Criteria: ACMG Guidelines, 2015. Collection method: research. Allele origin: germline. Affected: yes.
Comment: PVS1,PM2,PP1

OMIM
Classification: Pathogenic for INTELLECTUAL DEVELOPMENTAL DISORDER, AUTOSOMAL RECESSIVE 27. Last evaluated: 2013-06-17. Review status: no assertion criteria provided. Collection method: literature only. Allele origin: germline. Not counted in ClinVar's aggregate classification.

Literature cited by the submitters: PubMed 23773660 (cited by OMIM).